The following is an entry in ClinVar:

ClinVar aggregate classification (germline): Likely benign. Review status: criteria provided, multiple submitters, no conflicts (2 of 4 stars). 3 submissions from 3 submitters: Likely benign (2). 1 of the submissions does not count toward it. Last evaluated 2025-11-09.

Conditions:
Cardiovascular phenotype. Identifiers: MedGen CN230736.
Long QT syndrome (LQTS). Identifiers: MedGen C0023976, MeSH D008133, MONDO:0002442. Disease mechanism: loss of function. Inheritance: Various modes of inheritance.
KCNH2-related disorder. Also called: KCNH2-related disorders; KCNH2-related condition.

Allele frequency attached by ClinVar (database versions not stated): gnomAD exomes 0.00001; gnomAD 0.00007 and 0.00010; TOPMed 0.00010.
gnomAD v4.1: 22 of 1,363,790 alleles (0.0016%); highest among the groups gnomAD compares: African/African-American, 0.023%; no homozygotes.

Submissions (3):

Labcorp Genetics (formerly Invitae), Labcorp
Classification: Likely benign for Long QT syndrome. Last evaluated: 2025-11-09. Review status: criteria provided, single submitter. Criteria: Invitae Variant Classification Sherloc (09022015). Collection method: clinical testing. Allele origin: germline.

Ambry Genetics
Classification: Likely benign for Cardiovascular phenotype. Last evaluated: 2019-06-13. Review status: criteria provided, single submitter. Criteria: Ambry Variant Classification Scheme 2023. Collection method: clinical testing. Allele origin: germline.

PreventionGenetics, part of Exact Sciences
Classification: Likely benign for KCNH2-related condition. Last evaluated: 2021-11-04. Review status: no assertion criteria provided. Collection method: clinical testing. Allele origin: germline. Not counted in ClinVar's aggregate classification.
Comment: This variant is classified as likely benign based on ACMG/AMP sequence variant interpretation guidelines (Richards et al. 2015 PMID: 25741868, with internal and published modifications).

NM_000238.4(KCNH2):c.777C>T (p.Asp259=)

Gene: KCNH2 (potassium voltage-gated channel subfamily H member 2; minus strand). Cytogenetic location: 7q36.1.
Variant type: single nucleotide variant.
Coding change: c.777C>T on transcript NM_000238.4 (MANE Select); coding-DNA position 777, C replaced by T.
Protein change: p.Asp259=; no amino-acid change (aspartic acid 259 retained).
Molecular consequence: synonymous variant. On other transcripts: non-coding transcript variant (1).
Genome position (GRCh38, 1-based): chr7:150,958,198, G>A on the plus strand (C>T on the coding strand, the complement: KCNH2 is on the minus strand). VCF-style: chr7-150958198-G-A. GRCh37 (hg19) VCF-style: chr7-150655286-G-A.
Other names: c.489C>T, p.Asp163= (NM_001406753.1, NM_001406756.1); c.600C>T, p.Asp200= (NM_001406755.1); c.477C>T, p.Asp159= (NM_001406757.1); c.777C>T, p.Asp259= (NM_172056.3).
Identifiers: ClinVar variation 456941 (VCV000456941.17), dbSNP rs887354896, ClinGen allele CA169081241.